The following is an entry in ClinVar:

ClinVar aggregate classification (germline): Likely pathogenic (1 of 4 stars; one submission).

Conditions:
SLC10A1-related disorder. Also called: SLC10A1-related condition.

Submission:

PreventionGenetics, part of Exact Sciences
Classification: Likely pathogenic for SLC10A1-related condition. Last evaluated: 2026-03-02. Review status: criteria provided, single submitter. Criteria: ACMG Guidelines, 2015. Collection method: clinical testing. Allele origin: germline.
Comment: The SLC10A1 c.387T>A variant is predicted to result in premature protein termination (p.Cys129*). To our knowledge, this variant has not been reported in the literature or in a large population database (gnomAD), indicating this variant is rare. Nonsense variants in SLC10A1 are expected to be pathogenic. This variant is interpreted as likely pathogenic.

NM_003049.4(SLC10A1):c.387T>A (p.Cys129Ter)

Gene: SLC10A1 (solute carrier family 10 member 1; minus strand). Cytogenetic location: 14q24.1.
Variant type: single nucleotide variant.
Coding change: c.387T>A on transcript NM_003049.4 (MANE Select); coding-DNA position 387, T replaced by A.
Protein change: p.Cys129Ter; replaces cysteine 129 with a stop codon.
Molecular consequence: nonsense.
Genome position (GRCh38, 1-based): chr14:69,786,277, A>T on the plus strand (T>A on the coding strand, the complement: SLC10A1 is on the minus strand). VCF-style: chr14-69786277-A-T. GRCh37 (hg19) VCF-style: chr14-70252994-A-T.
Other names: short protein forms C129*.
Identifiers: ClinVar variation 4993825 (VCV004993825.1).